The following is an entry in ClinVar:

ClinVar aggregate classification (germline): Benign/Likely benign. Review status: criteria provided, multiple submitters, no conflicts (2 of 4 stars). 3 submissions from 3 submitters: Benign (1); Likely benign (1). 1 of the submissions does not count toward it. Last evaluated 2025-12-09.

Conditions:
GPAA1-related disorder. Also called: GPAA1-related condition.

Allele frequency attached by ClinVar (database versions not stated): gnomAD exomes 0.00005 and 0.00015; ExAC 0.00013; ESP Exome Variant Server 0.00056; gnomAD 0.00061 and 0.00068; TOPMed 0.00073; 1000 Genomes Project 30x 0.00078; 1000 Genomes Project 0.00080.
gnomAD v4.1: 164 of 1,613,082 alleles (0.01%); highest among the groups gnomAD compares: African/African-American, 0.2%; no homozygotes.

Submissions (3):

Labcorp Genetics (formerly Invitae), Labcorp
Classification: Benign. Last evaluated: 2025-12-09. Review status: criteria provided, single submitter. Criteria: Invitae Variant Classification Sherloc (09022015). Collection method: clinical testing. Allele origin: germline.

Blueprint Genetics
Classification: Likely benign. Last evaluated: 2024-09-23. Review status: criteria provided, single submitter. Criteria: ACMG Guidelines, 2015. Collection method: clinical testing. Allele origin: germline.

PreventionGenetics, part of Exact Sciences
Classification: Likely benign for GPAA1-related condition. Last evaluated: 2019-11-11. Review status: no assertion criteria provided. Collection method: clinical testing. Allele origin: germline. Not counted in ClinVar's aggregate classification.
Comment: This variant is classified as likely benign based on ACMG/AMP sequence variant interpretation guidelines (Richards et al. 2015 PMID: 25741868, with internal and published modifications).

NM_003801.4(GPAA1):c.858C>T (p.Gly286=)

Gene: GPAA1 (glycosylphosphatidylinositol anchor attachment 1; plus strand). Cytogenetic location: 8q24.3.
Variant type: single nucleotide variant.
Coding change: c.858C>T on transcript NM_003801.4 (MANE Select); coding-DNA position 858, C replaced by T.
Protein change: p.Gly286=; no amino-acid change (glycine 286 retained).
Molecular consequence: synonymous variant.
Genome position (GRCh38, 1-based): chr8:144,084,457, C>T. VCF-style: chr8-144084457-C-T. GRCh37 (hg19) VCF-style: chr8-145139360-C-T.
Other names: c.858C>T (NM_003801.3).
Identifiers: ClinVar variation 1593149 (VCV001593149.11), dbSNP rs368019133, ClinGen allele CA4932958.